The following is an entry in ClinVar:

ClinVar aggregate classification (germline): Uncertain significance (1 of 4 stars; one submission).

Allele frequency attached by ClinVar (database versions not stated): ExAC 0.00001; gnomAD exomes 0.00002; gnomAD 0.00003; TOPMed 0.00003.

Submission:

Labcorp Genetics (formerly Invitae), Labcorp
Classification: Uncertain significance. Last evaluated: 2023-08-04. Review status: criteria provided, single submitter. Criteria: Invitae Variant Classification Sherloc (09022015). Collection method: clinical testing. Allele origin: germline.
Comment: In summary, the available evidence is currently insufficient to determine the role of this variant in disease. Therefore, it has been classified as a Variant of Uncertain Significance. Advanced modeling of protein sequence and biophysical properties (such as structural, functional, and spatial information, amino acid conservation, physicochemical variation, residue mobility, and thermodynamic stability) performed at Invitae indicates that this missense variant is not expected to disrupt HDAC4 protein function. This sequence change replaces arginine, which is basic and polar, with glutamine, which is neutral and polar, at codon 457 of the HDAC4 protein (p.Arg457Gln). This variant is present in population databases (rs772923623, gnomAD 0.01%), including at least one homozygous and/or hemizygous individual. This variant has not been reported in the literature in individuals affected with HDAC4-related conditions.

NM_001378414.1(HDAC4):c.1385G>A (p.Arg462Gln)

Gene: HDAC4 (histone deacetylase 4; minus strand). Cytogenetic location: 2q37.3.
Variant type: single nucleotide variant.
Coding change: c.1385G>A on transcript NM_001378414.1 (MANE Select); coding-DNA position 1385, G replaced by A.
Protein change: p.Arg462Gln; replaces arginine 462 with glutamine.
Molecular consequence: missense variant.
Genome position (GRCh38, 1-based): chr2:239,126,604, C>T on the plus strand (G>A on the coding strand, the complement: HDAC4 is on the minus strand). VCF-style: chr2-239126604-C-T. GRCh37 (hg19) VCF-style: chr2-240048300-C-T.
Other names: c.1385G>A, p.Arg462Gln (NM_001378415.1); c.1370G>A, p.Arg457Gln (NM_001378416.1, NM_001378417.1, NM_006037.4); short protein forms R462Q, R457Q.
Identifiers: ClinVar variation 2736584 (VCV002736584.3), dbSNP rs772923623, ClinGen allele CA2199813.